The following is an entry in ClinVar:

NM_001267550.2(TTN):c.98809A>G (p.Lys32937Glu)

Genes: TTN-AS1 (TTN antisense RNA 1; plus strand), TTN (titin; minus strand). Cytogenetic location: 2q31.2.
Variant type: single nucleotide variant.
Coding change: c.98809A>G on transcript NM_001267550.2 (MANE Select); coding-DNA position 98809, A replaced by G.
Protein change: p.Lys32937Glu; replaces lysine 32937 with glutamic acid.
Molecular consequence: missense variant. On other transcripts: non-coding transcript variant (1).
Genome position (GRCh38, 1-based): chr2:178,539,126, T>C on the plus strand (A>G on the coding strand, the complement: TTN is on the minus strand). VCF-style: chr2-178539126-T-C. GRCh37 (hg19) VCF-style: chr2-179403853-T-C.
Other names: c.91105A>G, p.Lys30369Glu (NM_133378.4); c.93886A>G, p.Lys31296Glu (NM_001256850.1); c.71614A>G, p.Lys23872Glu (NM_003319.4); c.71989A>G, p.Lys23997Glu (NM_133432.3); c.72190A>G, p.Lys24064Glu (NM_133437.4); short protein forms K32937E, K30369E, K24064E, K23872E, K23997E, K31296E.
Identifiers: ClinVar variation 47609 (VCV000047609.27), dbSNP rs200544701, ClinGen allele CA141494.
Genomic context (GRCh38, chr2:178,539,126, plus strand): 5'-ACATTGTGGTGGTGATCTGAGTCTTGTTGTGTCTGACCCACTTGTCAGTGGATGTCTCTT[T>C]GCGTTCGATGTAGTAGCCTGTGACTCTAGAACCACCATCATCTTTGGGCCGGGACCAGGA-3'
Protein context (NP_001254479.2, residues 32927-32947): SRVTGYYIER[Lys32937Glu]ETSTDKWVRH

ClinVar aggregate classification (germline): Conflicting classifications of pathogenicity. Review status: criteria provided, conflicting classifications (1 of 4 stars). 13 submissions from 9 submitters: Uncertain significance (5); Benign (2); Likely benign (5). 1 of the submissions does not count toward it. Last evaluated 2026-01-12.

Conditions:
TTN-related disorder. Also called: TTN-related disorders; TTN-related condition; TTN-related disease.
Autosomal recessive limb-girdle muscular dystrophy type 2J (LGMDR10). Also called: Limb-girdle muscular dystrophy, type 2J; MUSCULAR DYSTROPHY, LIMB-GIRDLE, AUTOSOMAL RECESSIVE 10. Identifiers: Orphanet 140922, MedGen C1837342, MONDO:0012127, OMIM 608807.
Dilated cardiomyopathy 1G (CMD1G). Identifiers: Orphanet 154, MedGen C1858763, MONDO:0011400, OMIM 604145.
Cardiomyopathy (CMYO). Also called: Cardiomyopathies. Identifiers: Orphanet 167848, MedGen C0878544, MONDO:0004994, HP:0001638. Inheritance: Various modes of inheritance.
Early-onset myopathy with fatal cardiomyopathy (CMYO5). Also called: Salih Myopathy; CONGENITAL MYOPATHY 5 WITH CARDIOMYOPATHY. Identifiers: Orphanet 289377, MedGen C2673677, MONDO:0012714, OMIM 611705. Disease mechanism: loss of function.
Myopathy, myofibrillar, 9, with early respiratory failure (MFM9). Also called: EDSTROM MYOPATHY; MYOPATHY, PROXIMAL, WITH EARLY RESPIRATORY MUSCLE INVOLVEMENT; Hereditary myopathy with early respiratory failure; Myopathy, distal, with early respiratory failure, autosomal dominant. Identifiers: Orphanet 178464, Orphanet 34521, MedGen C1863599, MONDO:0011362, OMIM 603689.
Tibial muscular dystrophy (TMD). Also called: Udd Distal Myopathy – Tibial Muscular Dystrophy; UDD MYOPATHY; Tibial muscular dystrophy, tardive. Identifiers: Orphanet 609, MedGen C1838244, MONDO:0010870, OMIM 600334.

Allele frequency attached by ClinVar (database versions not stated): TOPMed 0.00012; ExAC 0.00016; gnomAD exomes 0.00022 and 0.00009; gnomAD 0.00011; ESP Exome Variant Server 0.00008.
gnomAD v4.1: 148 of 1,613,658 alleles (0.0092%); highest among the groups gnomAD compares: Admixed American, 0.047%; no homozygotes.

Submissions (13):

Labcorp Genetics (formerly Invitae), Labcorp
Classification: Likely benign for Dilated cardiomyopathy 1G; Autosomal recessive limb-girdle muscular dystrophy type 2J. Last evaluated: 2026-01-12. Review status: criteria provided, single submitter. Criteria: Invitae Variant Classification Sherloc (09022015). Collection method: clinical testing. Allele origin: germline.

Revvity Omics, Revvity
Classification: Uncertain significance. Last evaluated: 2024-07-11. Review status: criteria provided, single submitter. Criteria: ACMG Guidelines, 2015. Collection method: clinical testing. Allele origin: germline.

CHEO Genetics Diagnostic Laboratory, Children's Hospital of Eastern Ontario
Classification: Benign for Cardiomyopathy. Last evaluated: 2023-05-16. Review status: criteria provided, single submitter. Criteria: ACMG Guidelines, 2015. Collection method: clinical testing. Allele origin: germline.

Athena Diagnostics
Classification: Benign. Last evaluated: 2022-02-16. Review status: criteria provided, single submitter. Criteria: Athena Diagnostics Criteria. Collection method: clinical testing. Allele origin: unknown.

GeneDx
Classification: Likely benign. Last evaluated: 2020-09-04. Review status: criteria provided, single submitter. Criteria: GeneDx Variant Classification Process June 2021. Collection method: clinical testing. Allele origin: germline. Affected: yes.
Comment: This variant is associated with the following publications: (PMID: 24503780)

Blueprint Genetics
Classification: Likely benign. Last evaluated: 2019-01-03. Review status: criteria provided, single submitter. Criteria: ACMG Guidelines, 2015. Collection method: clinical testing. Allele origin: germline.

Illumina Laboratory Services, Illumina
Classification: Uncertain significance for Autosomal recessive limb-girdle muscular dystrophy type 2J. Last evaluated: 2018-01-13. Review status: criteria provided, single submitter. Criteria: ICSL Variant Classification Criteria 13 December 2019. Collection method: clinical testing. Allele origin: germline.

Illumina Laboratory Services, Illumina
Classification: Uncertain significance for Early-onset myopathy with fatal cardiomyopathy. Last evaluated: 2018-01-13. Review status: criteria provided, single submitter. Criteria: ICSL Variant Classification Criteria 13 December 2019. Collection method: clinical testing. Allele origin: germline.

Illumina Laboratory Services, Illumina
Classification: Likely benign for Myopathy, myofibrillar, 9, with early respiratory failure. Last evaluated: 2018-01-13. Review status: criteria provided, single submitter. Criteria: ICSL Variant Classification Criteria 13 December 2019. Collection method: clinical testing. Allele origin: germline.
Comment: This variant was observed in the ICSL laboratory as part of a predisposition screen in an ostensibly healthy population. It had not been previously curated by ICSL or reported in the Human Gene Mutation Database (HGMD: prior to June 1st, 2018), and was therefore a candidate for classification through an automated scoring system. Utilizing variant allele frequency, disease prevalence and penetrance estimates, and inheritance mode, an automated score was calculated to assess if this variant is too frequent to cause the disease. Based on the score and internal cut-off values, a variant classified as likely benign is not then subjected to further curation. The score for this variant resulted in a classification of likely benign for this disease.

Illumina Laboratory Services, Illumina
Classification: Uncertain significance for Dilated cardiomyopathy 1G. Last evaluated: 2018-01-13. Review status: criteria provided, single submitter. Criteria: ICSL Variant Classification Criteria 13 December 2019. Collection method: clinical testing. Allele origin: germline.

Illumina Laboratory Services, Illumina
Classification: Likely benign for Tibial muscular dystrophy. Last evaluated: 2018-01-13. Review status: criteria provided, single submitter. Criteria: ICSL Variant Classification Criteria 13 December 2019. Collection method: clinical testing. Allele origin: germline.
Comment: the same text as in the submission from Illumina Laboratory Services, Illumina above.

Laboratory for Molecular Medicine, Mass General Brigham Personalized Medicine
Classification: Uncertain significance. Last evaluated: 2011-12-23. Review status: criteria provided, single submitter. Criteria: LMM Criteria. Collection method: clinical testing. Allele origin: germline. Observed: 2 variant alleles.
Comment: The Lys30369Glu variant (TTN) has not been previously reported nor previously id entified by our laboratory. This variant has been identified in 1/6870 European American chromosomes by the NHBLI Exome sequencing project in a broad clinical c ohort. Lysine (Lys) at position 30369 is mode rately conserved in evolutionarily distant species, and this information is insu fficient to predict if a change would impact the protein. Computational predicti ons on the impact to the protein are mixed (AlignGVGD = benign, SIFT = pathogeni c), though the accuracy of these tools is unknown. Additional information is nee ded to fully assess the clinical significance of the Lys30369Glu variant.

PreventionGenetics, part of Exact Sciences
Classification: Likely benign for TTN-related condition. Last evaluated: 2021-01-18. Review status: no assertion criteria provided. Collection method: clinical testing. Allele origin: germline. Not counted in ClinVar's aggregate classification.
Comment: This variant is classified as likely benign based on ACMG/AMP sequence variant interpretation guidelines (Richards et al. 2015 PMID: 25741868, with internal and published modifications).